The following is an entry in ClinVar:

ClinVar aggregate classification (germline): Uncertain significance (1 of 4 stars; one submission).

Allele frequency attached by ClinVar (database versions not stated): gnomAD exomes below 0.00001.
gnomAD v4.1: 1 of 1,578,738 alleles (0.000063%); highest among the groups gnomAD compares: East Asian, 0.0023%; no homozygotes.

Submission:

Labcorp Genetics (formerly Invitae), Labcorp
Classification: Uncertain significance. Last evaluated: 2022-02-24. Review status: criteria provided, single submitter. Criteria: Invitae Variant Classification Sherloc (09022015). Collection method: clinical testing. Allele origin: germline.
Comment: In summary, the available evidence is currently insufficient to determine the role of this variant in disease. Therefore, it has been classified as a Variant of Uncertain Significance. Algorithms developed to predict the effect of missense changes on protein structure and function are either unavailable or do not agree on the potential impact of this missense change (SIFT: "Deleterious"; PolyPhen-2: "Benign"; Align-GVGD: "Class C65"). Algorithms developed to predict the effect of sequence changes on RNA splicing suggest that this variant may create or strengthen a splice site. This variant has not been reported in the literature in individuals affected with MPDZ-related conditions. This variant is not present in population databases (gnomAD no frequency). This sequence change replaces aspartic acid, which is acidic and polar, with glycine, which is neutral and non-polar, at codon 1534 of the MPDZ protein (p.Asp1534Gly).

NM_001378778.1(MPDZ):c.4601A>G (p.Asp1534Gly)

Gene: MPDZ (multiple PDZ domain crumbs cell polarity complex component; minus strand). Cytogenetic location: 9p23.
Variant type: single nucleotide variant.
Coding change: c.4601A>G on transcript NM_001378778.1 (MANE Select); coding-DNA position 4601, A replaced by G.
Protein change: p.Asp1534Gly; replaces aspartic acid 1534 with glycine.
Molecular consequence: missense variant.
Genome position (GRCh38, 1-based): chr9:13,126,547, T>C on the plus strand (A>G on the coding strand, the complement: MPDZ is on the minus strand). VCF-style: chr9-13126547-T-C. GRCh37 (hg19) VCF-style: chr9-13126546-T-C.
Other names: c.4502A>G, p.Asp1501Gly (NM_001261406.2, NM_001261407.2, NM_001375416.1 and 3 more transcripts); c.4601A>G, p.Asp1534Gly (NM_001330637.2, NM_003829.5); c.4700A>G, p.Asp1567Gly (NM_001375413.1); c.4391A>G, p.Asp1464Gly (NM_001375420.1, NM_001375421.1, NM_001375422.1 and 4 more transcripts); c.4193A>G, p.Asp1398Gly (NM_001375427.1); short protein forms D1501G, D1464G, D1398G, D1567G, D1534G.
Identifiers: ClinVar variation 1375938 (VCV001375938.8), dbSNP rs1477401226, ClinGen allele CA372946947.